The following is an entry in ClinVar:

ClinVar aggregate classification (germline): Uncertain significance (1 of 4 stars; one submission).

Allele frequency attached by ClinVar (database versions not stated): gnomAD exomes below 0.00001; gnomAD 0.00001; ExAC 0.00003.
gnomAD v4.1: 7 of 1,580,412 alleles (0.00044%); highest among the groups gnomAD compares: South Asian, 0.0035%; no homozygotes.

Submission:

Labcorp Genetics (formerly Invitae), Labcorp
Classification: Uncertain significance. Last evaluated: 2023-10-18. Review status: criteria provided, single submitter. Criteria: Invitae Variant Classification Sherloc (09022015). Collection method: clinical testing. Allele origin: germline.
Comment: This sequence change replaces methionine, which is neutral and non-polar, with valine, which is neutral and non-polar, at codon 754 of the NEDD4L protein (p.Met754Val). The frequency data for this variant in the population databases is considered unreliable, as metrics indicate poor data quality at this position in the gnomAD database. This variant has not been reported in the literature in individuals affected with NEDD4L-related conditions. Advanced modeling of protein sequence and biophysical properties (such as structural, functional, and spatial information, amino acid conservation, physicochemical variation, residue mobility, and thermodynamic stability) performed at Invitae indicates that this missense variant is not expected to disrupt NEDD4L protein function. In summary, the available evidence is currently insufficient to determine the role of this variant in disease. Therefore, it has been classified as a Variant of Uncertain Significance.

NM_001144967.3(NEDD4L):c.2320A>G (p.Met774Val)

Gene: NEDD4L (NEDD4 like E3 ubiquitin protein ligase; plus strand). Cytogenetic location: 18q21.31.
Variant type: single nucleotide variant.
Coding change: c.2320A>G on transcript NM_001144967.3 (MANE Select); coding-DNA position 2320, A replaced by G.
Protein change: p.Met774Val; replaces methionine 774 with valine.
Molecular consequence: missense variant.
Genome position (GRCh38, 1-based): chr18:58,373,237, A>G. VCF-style: chr18-58373237-A-G. GRCh37 (hg19) VCF-style: chr18-56040469-A-G.
Other names: c.1957A>G, p.Met653Val (NM_001144964.1, NM_001144965.2, NM_001144966.3); c.2296A>G, p.Met766Val (NM_001144968.2); c.2236A>G, p.Met746Val (NM_001144969.2); c.1897A>G, p.Met633Val (NM_001144970.3, NM_001144971.2); c.2128A>G, p.Met710Val (NM_001243960.2); c.2260A>G, p.Met754Val (NM_015277.6); short protein forms M633V, M653V, M710V, M754V, M766V, M774V, M746V.
Identifiers: ClinVar variation 2769793 (VCV002769793.3), dbSNP rs747066497, ClinGen allele CA8975929.